The following is an entry in ClinVar:

NM_004168.4(SDHA):c.927A>G (p.Glu309=)

Gene: SDHA (succinate dehydrogenase complex flavoprotein subunit A; plus strand). Cytogenetic location: 5p15.33.
Variant type: single nucleotide variant.
Coding change: c.927A>G on transcript NM_004168.4 (MANE Select); coding-DNA position 927, A replaced by G.
Protein change: p.Glu309=; no amino-acid change (glutamic acid 309 retained).
Molecular consequence: synonymous variant.
Genome position (GRCh38, 1-based): chr5:233,508, A>G. VCF-style: chr5-233508-A-G. GRCh37 (hg19) VCF-style: chr5-233623-A-G.
Other names: c.783A>G, p.Glu261= (NM_001294332.2); c.927A>G, p.Glu309= (NM_001330758.2).
Identifiers: ClinVar variation 3904676 (VCV003904676.1).
Genomic context (GRCh38, chr5:233,508, plus strand): 5'-AGGTAATAAATATGTGTGGTTTTTTGCAGGCATATATGGTGCTGGTTGTCTCATTACGGA[A>G]GGATGTCGTGGAGAGGGAGGCATTCTCATTAACAGTCAAGGCGAAAGGTTTATGGAGCGA-3'
Protein context (NP_004159.2, residues 299-319): GIYGAGCLIT[Glu309=]GCRGEGGILI

ClinVar aggregate classification (germline): Benign (1 of 4 stars; one submission).

Conditions:
Pheochromocytoma/paraganglioma syndrome 5. Also called: Paragangliomas 5; SDHA-Related Hereditary Paraganglioma-Pheochromocytoma Syndrome. Identifiers: Orphanet 29072, MedGen C3279992, MONDO:0013602, OMIM 614165.

Submission:

Myriad Genetics, Inc.
Classification: Benign for Pheochromocytoma/paraganglioma syndrome 5. Last evaluated: 2025-03-04. Review status: criteria provided, single submitter. Criteria: Myriad Autosomal Dominant, Autosomal Recessive and X-Linked Classification Criteria (2023). Collection method: clinical testing. Allele origin: unknown.
Comment: This variant is considered benign. This variant is a silent/synonymous amino acid change and it is not expected to impact splicing.